The following is an entry in ClinVar:

NM_001184.4(ATR):c.6241C>A (p.Gln2081Lys)

Gene: ATR (ATR checkpoint kinase; minus strand). Cytogenetic location: 3q23.
Variant type: single nucleotide variant.
Coding change: c.6241C>A on transcript NM_001184.4 (MANE Select); coding-DNA position 6241, C replaced by A.
Protein change: p.Gln2081Lys; replaces glutamine 2081 with lysine.
Molecular consequence: missense variant.
Genome position (GRCh38, 1-based): chr3:142,470,164, G>T on the plus strand (C>A on the coding strand, the complement: ATR is on the minus strand). VCF-style: chr3-142470164-G-T. GRCh37 (hg19) VCF-style: chr3-142189006-G-T.
Other names: c.6049C>A, p.Gln2017Lys (NM_001354579.2); short protein forms Q2017K, Q2081K.
Identifiers: ClinVar variation 2567839 (VCV002567839.2), dbSNP rs988446074, ClinGen allele CA354806048.

ClinVar aggregate classification (germline): Uncertain significance (1 of 4 stars; one submission).

Conditions:
Inborn genetic diseases. Identifiers: MedGen C0950123, MeSH D030342.

Submission:

Ambry Genetics
Classification: Uncertain significance for Inborn genetic diseases. Last evaluated: 2023-05-23. Review status: criteria provided, single submitter. Criteria: Ambry Variant Classification Scheme 2023. Collection method: clinical testing. Allele origin: germline.
Comment: The p.Q2081K variant (also known as c.6241C>A), located in coding exon 37 of the ATR gene, results from a C to A substitution at nucleotide position 6241. The glutamine at codon 2081 is replaced by lysine, an amino acid with similar properties. This amino acid position is conserved. In addition, the in silico prediction for this alteration is inconclusive. Since supporting evidence is limited at this time, the clinical significance of this alteration remains unclear.